The following is an entry in ClinVar:

ClinVar aggregate classification (germline): Uncertain significance (1 of 4 stars; one submission).

Conditions:
DICER1-related tumor predisposition. Also called: DICER1-related pleuropulmonary blastoma cancer predisposition syndrome; DICER1 syndrome. Identifiers: Orphanet 284343, MedGen C3839822, MONDO:0100216.

Submission:

Labcorp Genetics (formerly Invitae), Labcorp
Classification: Uncertain significance for DICER1-related tumor predisposition. Last evaluated: 2021-06-29. Review status: criteria provided, single submitter. Criteria: Invitae Variant Classification Sherloc (09022015). Collection method: clinical testing. Allele origin: germline.
Comment: This variant has not been reported in the literature in individuals with DICER1-related conditions. In summary, the available evidence is currently insufficient to determine the role of this variant in disease. Therefore, it has been classified as a Variant of Uncertain Significance. Algorithms developed to predict the effect of missense changes on protein structure and function (SIFT, PolyPhen-2, Align-GVGD) all suggest that this variant is likely to be tolerated, but these predictions have not been confirmed by published functional studies and their clinical significance is uncertain. This variant is not present in population databases (ExAC no frequency). This sequence change replaces aspartic acid with asparagine at codon 595 of the DICER1 protein (p.Asp595Asn). The aspartic acid residue is moderately conserved and there is a small physicochemical difference between aspartic acid and asparagine.

NM_177438.3(DICER1):c.1783G>A (p.Asp595Asn)

Gene: DICER1 (dicer 1, ribonuclease III; minus strand). Cytogenetic location: 14q32.13.
Variant type: single nucleotide variant.
Coding change: c.1783G>A on transcript NM_177438.3 (MANE Select); coding-DNA position 1783, G replaced by A.
Protein change: p.Asp595Asn; replaces aspartic acid 595 with asparagine.
Molecular consequence: missense variant.
Genome position (GRCh38, 1-based): chr14:95,115,791, C>T on the plus strand (G>A on the coding strand, the complement: DICER1 is on the minus strand). VCF-style: chr14-95115791-C-T. GRCh37 (hg19) VCF-style: chr14-95582128-C-T.
Other names: c.1783G>A, p.Asp595Asn (NM_001195573.1, NM_001271282.3, NM_001291628.2 and 1 more transcripts); short protein forms D595N.
Identifiers: ClinVar variation 1491951 (VCV001491951.8), dbSNP rs2140114600, ClinGen allele CA390884141.
Genomic context (GRCh38, chr14:95,115,791, plus strand): 5'-CATATGGTGGGAAAACGTCATCATCATCCATGACAGGATCAATGTCAGTCTCACCAGTAT[C>T]AACCGACTTGGAACACTTGTTTCTCAAGATCTGAACATTTAAAAAACAGAACTTATGATG-3'
Protein context (NP_803187.1, residues 585-605): ILRNKCSKSV[Asp595Asn]TGETDIDPVM